The following is an entry in ClinVar:

ClinVar aggregate classification (germline): Pathogenic (1 of 4 stars; one submission).

Conditions:
MHC class II deficiency. Also called: Bare lymphocyte syndrome 2; BLS, TYPE II. Identifiers: Orphanet 572, MedGen C5447452, MONDO:0008855.

Submission:

Labcorp Genetics (formerly Invitae), Labcorp
Classification: Pathogenic for MHC class II deficiency. Last evaluated: 2022-02-10. Review status: criteria provided, single submitter. Criteria: Invitae Variant Classification Sherloc (09022015). Collection method: clinical testing. Allele origin: germline.
Comment: For these reasons, this variant has been classified as Pathogenic. This variant has not been reported in the literature in individuals affected with RFX5-related conditions. This variant is not present in population databases (gnomAD no frequency). This sequence change creates a premature translational stop signal (p.Gly20Glnfs*28) in the RFX5 gene. It is expected to result in an absent or disrupted protein product. Loss-of-function variants in RFX5 are known to be pathogenic (PMID: 7744245, 9401005, 10079298).

Literature cited by the submitters: PubMed 7744245; PubMed 9401005; PubMed 10079298.

NM_001025603.2(RFX5):c.55_56dup (p.Gly20fs)

Gene: RFX5 (regulatory factor X5; minus strand). Cytogenetic location: 1q21.3.
Variant type: Duplication.
Coding change: c.55_56dup on transcript NM_001025603.2 (MANE Select); coding-DNA positions 55 to 56, 2 bases duplicated (CC; older notation c.55_56dupCC).
Protein change: p.Gly20fs; shifts the reading frame from glycine 20.
Molecular consequence: frameshift variant.
Genome position (GRCh38, 1-based): chr1:151,346,265-151,346,266, GG duplicated on the plus strand (CC on the coding strand, the reverse complement: RFX5 is on the minus strand); duplicating any 2 consecutive bases within chr1:151,346,265-151,346,271 gives the same sequence; the c. name uses the placement nearest the transcript's 3' end. VCF-style (leftmost placement, unchanged base first): chr1-151346264-T-TGG. GRCh37 (hg19) VCF-style: chr1-151318740-T-TGG.
Other names: c.55_56dup, p.Gly20fs (NM_001379413.1, NM_001379414.1, NM_001379415.1 and 7 more transcripts); short protein forms G20fs.
Identifiers: ClinVar variation 2096008 (VCV002096008.4), dbSNP rs758904746, ClinGen allele CA889329251.